The following is an entry in ClinVar:

ClinVar aggregate classification (germline): Conflicting classifications of pathogenicity. Review status: criteria provided, conflicting classifications (1 of 4 stars). 2 submissions from 2 submitters: Pathogenic (1); Uncertain significance (1). Last evaluated 2025-02-25.

Submissions (2):

Labcorp Genetics (formerly Invitae), Labcorp
Classification: Pathogenic. Last evaluated: 2025-02-25. Review status: criteria provided, single submitter. Criteria: Invitae Variant Classification Sherloc (09022015). Collection method: clinical testing. Allele origin: germline.
Comment: This sequence change creates a premature translational stop signal (p.Trp665*) in the CACNA1B gene. It is expected to result in an absent or disrupted protein product. Loss-of-function variants in CACNA1B are known to be pathogenic (PMID: 30982612). This variant is not present in population databases (gnomAD no frequency). This variant has not been reported in the literature in individuals affected with CACNA1B-related conditions. ClinVar contains an entry for this variant (Variation ID: 2032031). For these reasons, this variant has been classified as Pathogenic.

GeneDx
Classification: Uncertain significance. Last evaluated: 2024-02-27. Review status: criteria provided, single submitter. Criteria: GeneDx Variant Classification Process June 2021. Collection method: clinical testing. Allele origin: germline. Affected: yes.
Comment: Not observed at significant frequency in large population cohorts (gnomAD); Nonsense variant predicted to result in protein truncation or nonsense mediated decay in a gene or region of a gene for which loss of function is not a well-established mechanism of disease; Has not been previously published as pathogenic or benign to our knowledge; Variants in candidate genes are classified as variants of uncertain significance in accordance with ACMG guidelines (PMID: 25741868)

Literature cited by the submitters: PubMed 30982612 (cited by Labcorp Genetics (formerly Invitae), Labcorp).

NM_000718.4(CACNA1B):c.1994G>A (p.Trp665Ter)

Gene: CACNA1B (calcium voltage-gated channel subunit alpha1 B; plus strand). Cytogenetic location: 9q34.3.
Variant type: single nucleotide variant.
Coding change: c.1994G>A on transcript NM_000718.4 (MANE Select); coding-DNA position 1994, G replaced by A.
Protein change: p.Trp665Ter; replaces tryptophan 665 with a stop codon.
Molecular consequence: nonsense.
Genome position (GRCh38, 1-based): chr9:138,006,786, G>A. VCF-style: chr9-138006786-G-A. GRCh37 (hg19) VCF-style: chr9-140901238-G-A.
Other names: c.1994G>A, p.Trp665Ter (NM_001243812.2); c.1994G>A (NM_000718.3); short protein forms W665*.
Identifiers: ClinVar variation 2032031 (VCV002032031.5), dbSNP rs2539338637, ClinGen allele CA375808382.